The following is an entry in ClinVar:

ClinVar aggregate classification (germline): Uncertain significance. Review status: criteria provided, single submitter (1 of 4 stars). 2 submissions from 2 submitters: Uncertain significance (1). 1 of the submissions does not count toward it. Last evaluated 2025-06-22.

Conditions:
MECOM-related disorder. Also called: MECOM-related condition.
Inborn genetic diseases. Identifiers: MedGen C0950123, MeSH D030342.

gnomAD v4.1: 1 of 1,614,062 alleles (0.000062%); highest among the groups gnomAD compares: Non-Finnish European, 0.000085%; no homozygotes.

Submissions (2):

Ambry Genetics
Classification: Uncertain significance for Inborn genetic diseases. Last evaluated: 2025-06-22. Review status: criteria provided, single submitter. Criteria: Ambry Variant Classification Scheme 2023. Collection method: clinical testing. Allele origin: germline.

PreventionGenetics, part of Exact Sciences
Classification: Uncertain significance for MECOM-related condition. Last evaluated: 2024-02-07. Review status: no assertion criteria provided. Collection method: clinical testing. Allele origin: germline. Not counted in ClinVar's aggregate classification.
Comment: The MECOM c.1478G>T variant is predicted to result in the amino acid substitution p.Gly493Val. To our knowledge, this variant has not been reported in the literature or in a large population database, indicating this variant is rare. At this time, the clinical significance of this variant is uncertain due to the absence of conclusive functional and genetic evidence.

NM_004991.4(MECOM):c.1478G>T (p.Gly493Val)

Gene: MECOM (MDS1 and EVI1 complex locus; minus strand). Cytogenetic location: 3q26.2.
Variant type: single nucleotide variant.
Coding change: c.1478G>T on transcript NM_004991.4 (MANE Select); coding-DNA position 1478, G replaced by T.
Protein change: p.Gly493Val; replaces glycine 493 with valine.
Molecular consequence: missense variant. On other transcripts: intron variant (2).
Genome position (GRCh38, 1-based): chr3:169,116,394, C>A on the plus strand (G>T on the coding strand, the complement: MECOM is on the minus strand). VCF-style: chr3-169116394-C-A. GRCh37 (hg19) VCF-style: chr3-168834182-C-A.
Other names: c.1109G>T, p.Gly370Val (NM_001105077.4); c.914G>T, p.Gly305Val (NM_001105078.4, NM_001164000.2, NM_001205194.2 and 4 more transcripts); c.917G>T, p.Gly306Val (NM_001163999.2, NM_001366467.2, NM_001366468.2 and 1 more transcripts); c.1478G>T, p.Gly493Val (NM_001366466.2); c.1133-627G>T (NM_001366473.2); c.569-627G>T (NM_001366474.2); short protein forms G305V, G306V, G370V, G493V.
Identifiers: ClinVar variation 3047015 (VCV003047015.4), dbSNP rs1365466358, ClinGen allele CA355062279.
Genomic context (GRCh38, chr3:169,116,394, plus strand): 5'-TTAACAGGAGAACTAGCAGGTATCAAAGGAGGCCTGTGGTACAAGCCGGAAGGAAACAGA[C>A]CAGGGAAGCTAAAAGAAAATCCAGGAGCTGTTGGAAAGGTAAGACCAGCAGGATGCCTAT-3'
Protein context (NP_004982.2, residues 483-503): TAPGFSFSFP[Gly493Val]LFPSGLYHRP